The following is an entry in ClinVar:

ClinVar aggregate classification (germline): Uncertain significance (1 of 4 stars; one submission).

Conditions:
KBG syndrome (KBGS). Also called: ANKRD11-Related KBG Syndrome. Identifiers: Orphanet 2332, MedGen C0220687, MONDO:0007846, OMIM 148050.

Allele frequency attached by ClinVar (database versions not stated): gnomAD exomes below 0.00001; ExAC 0.00002; gnomAD 0.00005; TOPMed 0.00006; 1000 Genomes Project 30x 0.00016; 1000 Genomes Project 0.00020.
gnomAD v4.1: 10 of 1,612,090 alleles (0.00062%); highest among the groups gnomAD compares: African/African-American, 0.011%; no homozygotes.

Submission:

Labcorp Genetics (formerly Invitae), Labcorp
Classification: Uncertain significance for KBG syndrome. Last evaluated: 2023-05-08. Review status: criteria provided, single submitter. Criteria: Invitae Variant Classification Sherloc (09022015). Collection method: clinical testing. Allele origin: germline.
Comment: This sequence change replaces threonine, which is neutral and polar, with alanine, which is neutral and non-polar, at codon 1707 of the ANKRD11 protein (p.Thr1707Ala). In summary, the available evidence is currently insufficient to determine the role of this variant in disease. Therefore, it has been classified as a Variant of Uncertain Significance. Advanced modeling of protein sequence and biophysical properties (such as structural, functional, and spatial information, amino acid conservation, physicochemical variation, residue mobility, and thermodynamic stability) performed at Invitae indicates that this missense variant is not expected to disrupt ANKRD11 protein function. This variant has not been reported in the literature in individuals affected with ANKRD11-related conditions. This variant is present in population databases (rs551427181, gnomAD 0.008%).

NM_013275.6(ANKRD11):c.5119A>G (p.Thr1707Ala)

Gene: ANKRD11 (ankyrin repeat domain 11; minus strand). Cytogenetic location: 16q24.3.
Variant type: single nucleotide variant.
Coding change: c.5119A>G on transcript NM_013275.6 (MANE Select); coding-DNA position 5119, A replaced by G.
Protein change: p.Thr1707Ala; replaces threonine 1707 with alanine.
Molecular consequence: missense variant.
Genome position (GRCh38, 1-based): chr16:89,281,423, T>C on the plus strand (A>G on the coding strand, the complement: ANKRD11 is on the minus strand). VCF-style: chr16-89281423-T-C. GRCh37 (hg19) VCF-style: chr16-89347831-T-C.
Other names: c.5119A>G, p.Thr1707Ala (NM_001256182.2, NM_001256183.2); short protein forms T1707A.
Identifiers: ClinVar variation 2882563 (VCV002882563.3), dbSNP rs551427181, ClinGen allele CA8241943.